The following is an entry in ClinVar:

ClinVar aggregate classification (germline): Pathogenic (1 of 4 stars; one submission).

Conditions:
Hearing loss, autosomal dominant 80. Also called: DEAFNESS, AUTOSOMAL DOMINANT 80. Identifiers: MedGen C5543289, MONDO:0030998, OMIM 619274.

Submission:

Institute of Rare Diseases, West China Hospital, Sichuan University
Classification: Pathogenic for Hearing loss, autosomal dominant 80. Last evaluated: 2025-01-09. Review status: criteria provided, single submitter. Criteria: ClinGen HL ACMG Specifications v1. Collection method: research. Allele origin: germline. Affected: yes.
Comment: PVS1;PS2;PM2_Supporting

NM_001142966.3(GREB1L):c.1144G>T (p.Glu382Ter)

Genes: GREB1L (GREB1 like retinoic acid receptor coactivator; plus strand), LOC101927521 (uncharacterized LOC101927521; minus strand). Cytogenetic location: 18q11.1.
Variant type: single nucleotide variant.
Coding change: c.1144G>T on transcript NM_001142966.3 (MANE Select); coding-DNA position 1144, G replaced by T.
Protein change: p.Glu382Ter; replaces glutamic acid 382 with a stop codon.
Molecular consequence: nonsense.
Genome position (GRCh38, 1-based): chr18:21,441,474, G>T. VCF-style: chr18-21441474-G-T. GRCh37 (hg19) VCF-style: chr18-19021435-G-T.
Other names: c.1144G>T, p.Glu382Ter (NM_001410868.1); c.1273G>T, p.Glu425Ter (NM_001410867.1); short protein forms E382*, E425*.
Identifiers: ClinVar variation 3601152 (VCV003601152.1).